The following is an entry in ClinVar:

NM_019109.5(ALG1):c.1327G>A (p.Glu443Lys)

Genes: ALG1 (ALG1 chitobiosyldiphosphodolichol beta-mannosyltransferase; plus strand), EEF2KMT (eukaryotic elongation factor 2 lysine methyltransferase; minus strand). Cytogenetic location: 16p13.3.
Variant type: single nucleotide variant.
Coding change: c.1327G>A on transcript NM_019109.5 (MANE Select); coding-DNA position 1327, G replaced by A.
Protein change: p.Glu443Lys; replaces glutamic acid 443 with lysine.
Molecular consequence: missense variant. On other transcripts: 3 prime UTR variant (3).
Genome position (GRCh38, 1-based): chr16:5,084,813, G>A. VCF-style: chr16-5084813-G-A. GRCh37 (hg19) VCF-style: chr16-5134814-G-A.
Other names: c.*819C>T (NM_001289029.2, NM_201400.4, NM_201598.4); c.994G>A, p.Glu332Lys (NM_001330504.2); short protein forms E332K, E443K.
Identifiers: ClinVar variation 1008938 (VCV001008938.6), dbSNP rs540792178, ClinGen allele CA7890338.

ClinVar aggregate classification (germline): Uncertain significance (1 of 4 stars; one submission).

Conditions:
ALG1-congenital disorder of glycosylation. Also called: CONGENITAL DISORDER OF GLYCOSYLATION, TYPE Ik; CDG Ik; ALG1-CDG. Identifiers: Orphanet 79327, MedGen C2931005, MONDO:0012052, OMIM 608540.

Allele frequency attached by ClinVar (database versions not stated): gnomAD below 0.00001 and 0.00004; ExAC 0.00001; gnomAD exomes 0.00001 and 0.00002; TOPMed 0.00001; 1000 Genomes Project 30x 0.00031; 1000 Genomes Project 0.00040.
gnomAD v4.1: 20 of 1,596,478 alleles (0.0013%); highest among the groups gnomAD compares: South Asian, 0.015%; no homozygotes.

Submission:

Labcorp Genetics (formerly Invitae), Labcorp
Classification: Uncertain significance for ALG1-congenital disorder of glycosylation. Last evaluated: 2021-09-08. Review status: criteria provided, single submitter. Criteria: Invitae Variant Classification Sherloc (09022015). Collection method: clinical testing. Allele origin: germline.
Comment: This sequence change replaces glutamic acid with lysine at codon 443 of the ALG1 protein (p.Glu443Lys). The glutamic acid residue is moderately conserved and there is a small physicochemical difference between glutamic acid and lysine. The frequency data for this variant in the population databases is considered unreliable, as metrics indicate poor data quality at this position in the ExAC database. This variant has not been reported in the literature in individuals affected with ALG1-related conditions. Advanced modeling of protein sequence and biophysical properties (such as structural, functional, and spatial information, amino acid conservation, physicochemical variation, residue mobility, and thermodynamic stability) performed at Invitae indicates that this missense variant is not expected to disrupt ALG1 protein function. In summary, the available evidence is currently insufficient to determine the role of this variant in disease. Therefore, it has been classified as a Variant of Uncertain Significance.